The following is an entry in ClinVar:

ClinVar aggregate classification (germline): Uncertain significance. Review status: criteria provided, multiple submitters, no conflicts (2 of 4 stars). 2 submissions from 2 submitters: Uncertain significance (2). Last evaluated 2025-04-12.

Conditions:
Primary ciliary dyskinesia. Also called: Ciliary dyskinesia. Identifiers: Orphanet 244, MedGen C0008780, MONDO:0016575, HP:0012265.

gnomAD v4.1: 22 of 1,614,240 alleles (0.0014%); highest among the groups gnomAD compares: Non-Finnish European, 0.0018%; no homozygotes.

Submissions (2):

Ambry Genetics
Classification: Uncertain significance for Primary ciliary dyskinesia. Last evaluated: 2025-04-12. Review status: criteria provided, single submitter. Criteria: Ambry Variant Classification Scheme 2023. Collection method: clinical testing. Allele origin: germline.

Labcorp Genetics (formerly Invitae), Labcorp
Classification: Uncertain significance for Primary ciliary dyskinesia. Last evaluated: 2025-04-08. Review status: criteria provided, single submitter. Criteria: Invitae Variant Classification Sherloc (09022015). Collection method: clinical testing. Allele origin: germline.
Comment: This sequence change replaces glutamic acid, which is acidic and polar, with lysine, which is basic and polar, at codon 32 of the DNAAF3 protein (p.Glu32Lys). This variant is present in population databases (rs762932898, gnomAD 0.0009%). This variant has not been reported in the literature in individuals affected with DNAAF3-related conditions. An algorithm developed to predict the effect of missense changes on protein structure and function outputs the following: PolyPhen-2: "Benign". The lysine amino acid residue is found in multiple mammalian species, which suggests that this missense change does not adversely affect protein function. In summary, the available evidence is currently insufficient to determine the role of this variant in disease. Therefore, it has been classified as a Variant of Uncertain Significance.

NM_001256715.2(DNAAF3):c.-37G>A

Genes: DNAAF3 (dynein axonemal assembly factor 3; minus strand), DNAAF3-AS1 (DNAAF3 antisense RNA 1; plus strand). Cytogenetic location: 19q13.42.
Variant type: single nucleotide variant.
Coding change: c.-37G>A on transcript NM_001256715.2 (MANE Select); 37 bases upstream of the start codon, G replaced by A.
Molecular consequence: 5 prime UTR variant. On other transcripts: missense variant (2).
Genome position (GRCh38, 1-based): chr19:55,166,555, C>T on the plus strand (G>A on the coding strand, the complement: DNAAF3 is on the minus strand). VCF-style: chr19-55166555-C-T. GRCh37 (hg19) VCF-style: chr19-55677923-C-T.
Other names: c.94G>A, p.Glu32Lys (NM_001256714.1, NM_178837.4); c.-286G>A (NM_001256716.2); short protein forms E32K.
Identifiers: ClinVar variation 4012496 (VCV004012496.2).